The following is an entry in ClinVar:

ClinVar aggregate classification (germline): Uncertain significance. Review status: criteria provided, multiple submitters, no conflicts (2 of 4 stars). 2 submissions from 2 submitters: Uncertain significance (2). Last evaluated 2022-06-08.

Allele frequency attached by ClinVar (database versions not stated): gnomAD 0.00001; TOPMed 0.00001.

Submissions (2):

Ambry Genetics
Classification: Uncertain significance. Last evaluated: 2022-06-08. Review status: criteria provided, single submitter. Criteria: Ambry Variant Classification Scheme 2023. Collection method: clinical testing. Allele origin: germline.

Labcorp Genetics (formerly Invitae), Labcorp
Classification: Uncertain significance. Last evaluated: 2021-09-17. Review status: criteria provided, single submitter. Criteria: Invitae Variant Classification Sherloc (09022015). Collection method: clinical testing. Allele origin: germline.
Comment: In summary, the available evidence is currently insufficient to determine the role of this variant in disease. Therefore, it has been classified as a Variant of Uncertain Significance. Algorithms developed to predict the effect of missense changes on protein structure and function (SIFT, PolyPhen-2, Align-GVGD) all suggest that this variant is likely to be tolerated. This variant has not been reported in the literature in individuals affected with SAMD11-related conditions. The frequency data for this variant in the population databases is considered unreliable, as metrics indicate insufficient coverage at this position in the ExAC database. This sequence change replaces proline with serine at codon 411 of the SAMD11 protein (p.Pro411Ser). The proline residue is moderately conserved and there is a moderate physicochemical difference between proline and serine.

NM_001385641.1(SAMD11):c.1720C>T (p.Pro574Ser)

Gene: SAMD11 (sterile alpha motif domain containing 11; plus strand). Cytogenetic location: 1p36.33.
Variant type: single nucleotide variant.
Coding change: c.1720C>T on transcript NM_001385641.1 (MANE Select); coding-DNA position 1720, C replaced by T.
Protein change: p.Pro574Ser; replaces proline 574 with serine.
Molecular consequence: missense variant.
Genome position (GRCh38, 1-based): chr1:942,725, C>T. VCF-style: chr1-942725-C-T. GRCh37 (hg19) VCF-style: chr1-878105-C-T.
Other names: c.1231C>T (NM_152486.2); c.1723C>T, p.Pro575Ser (NM_001385640.1); c.1231C>T, p.Pro411Ser (NM_152486.4); short protein forms P574S, P575S, P411S.
Identifiers: ClinVar variation 1473596 (VCV001473596.7), dbSNP rs1463321696, ClinGen allele CA337809870.
Genomic context (GRCh38, chr1:942,725, plus strand): 5'-CTGCAGCGGCGCGGGGCCCTGCTGGTGCTGAACCACGGCGCGGCGCCACTGCTGGCCCTG[C>T]CCCCCCAGGGGCCCCCGGGCTCCGGACCCCCCACCCCGTCCCGGGACTCTGCCCGGCGAG-3'
Protein context (NP_001372570.1, residues 564-584): NHGAAPLLAL[Pro574Ser]PQGPPGSGPP